The following is an entry in ClinVar:

NM_000371.4(TTR):c.89G>A (p.Cys30Tyr)

Gene: TTR (transthyretin; plus strand). Cytogenetic location: 18q12.1.
Variant type: single nucleotide variant.
Coding change: c.89G>A on transcript NM_000371.4 (MANE Select); coding-DNA position 89, G replaced by A.
Protein change: p.Cys30Tyr; replaces cysteine 30 with tyrosine.
Molecular consequence: missense variant.
Genome position (GRCh38, 1-based): chr18:31,592,915, G>A. VCF-style: chr18-31592915-G-A. GRCh37 (hg19) VCF-style: chr18-29172878-G-A.
Other names: short protein forms C30Y.
Identifiers: ClinVar variation 1490986 (VCV001490986.6), dbSNP rs2144406508, ClinGen allele CA402156507.
Genomic context (GRCh38, chr18:31,592,915, plus strand): 5'-ATCAATTTTGTTAACTTCTCACGTGTCTTCTCTACACCCAGGGCACCGGTGAATCCAAGT[G>A]TCCTCTGATGGTCAAAGTTCTAGATGCTGTCCGAGGCAGTCCTGCCATCAATGTGGCCGT-3'
Protein context (NP_000362.1, residues 20-40): AGPTGTGESK[Cys30Tyr]PLMVKVLDAV

ClinVar aggregate classification (germline): Likely pathogenic (1 of 4 stars; one submission).

Conditions:
Amyloidosis, hereditary systemic 1 (AMYLD1). Also called: Hereditary oculoleptomeningeal amyloid angiopathy; Familial Transthyretin Amyloidosis; Familial amyloid polyneuropathy; Transthyretin Amyloidosis; AMYLOID CARDIOMYOPATHY; Hereditary Transthyretin Amyloidosis. Identifiers: Orphanet 85447, Orphanet 85451, MedGen C2751492, MONDO:0971004, OMIM 105210.

Submission:

Labcorp Genetics (formerly Invitae), Labcorp
Classification: Likely pathogenic for Amyloidosis, hereditary systemic 1. Last evaluated: 2021-01-28. Review status: criteria provided, single submitter. Criteria: Invitae Variant Classification Sherloc (09022015). Collection method: clinical testing. Allele origin: germline.
Comment: This variant disrupts the p.Cys30 amino acid residue in TTR. Other variant(s) that disrupt this residue have been determined to be pathogenic (PMID: 1362222, 24664531, Invitae). This suggests that this residue is clinically significant, and that variants that disrupt this residue are likely to be disease-causing. In summary, the currently available evidence indicates that the variant is pathogenic, but additional data are needed to prove that conclusively. Therefore, this variant has been classified as Likely Pathogenic. Advanced modeling of protein sequence and biophysical properties (such as structural, functional, and spatial information, amino acid conservation, physicochemical variation, residue mobility, and thermodynamic stability) performed at Invitae indicates that this missense variant is expected to disrupt TTR protein function. This sequence change replaces cysteine with tyrosine at codon 30 of the TTR protein (p.Cys30Tyr). The cysteine residue is moderately conserved and there is a large physicochemical difference between cysteine and tyrosine. This variant is not present in population databases (ExAC no frequency). This variant has not been reported in the literature in individuals with TTR-related conditions.

Literature cited by the submitters: PubMed 1362222; PubMed 24664531.